The following is an entry in ClinVar:

NM_017838.4(NHP2):c.70T>A (p.Tyr24Asn)

Gene: NHP2 (NHP2 ribonucleoprotein; minus strand). Cytogenetic location: 5q35.3.
Variant type: single nucleotide variant.
Coding change: c.70T>A on transcript NM_017838.4 (MANE Select); coding-DNA position 70, T replaced by A.
Protein change: p.Tyr24Asn; replaces tyrosine 24 with asparagine.
Molecular consequence: missense variant.
Genome position (GRCh38, 1-based): chr5:178,153,748, A>T on the plus strand (T>A on the coding strand, the complement: NHP2 is on the minus strand). VCF-style: chr5-178153748-A-T. GRCh37 (hg19) VCF-style: chr5-177580749-A-T.
Other names: c.70T>A, p.Tyr24Asn (NM_001034833.2); short protein forms Y24N.
Identifiers: ClinVar variation 838056 (VCV000838056.11), dbSNP rs757358075, ClinGen allele CA3589290.
Genomic context (GRCh38, chr5:178,153,748, plus strand): 5'-TGAGGCGGCGAGAAGCCAGGGGCTGCGCGATGGGGTTCTGGTTGACCAGCAGCTCCTGGT[A>T]GGTGCGCTCCCCGGAACACGCCTCCGCCTGAGCCTCGGGCCCGTCGGGATCTGCCTTTAT-3'
Protein context (NP_060308.1, residues 14-34): QAEACSGERT[Tyr24Asn]QELLVNQNPI

ClinVar aggregate classification (germline): Uncertain significance. Review status: criteria provided, multiple submitters, no conflicts (2 of 4 stars). 4 submissions from 4 submitters: Uncertain significance (4). Last evaluated 2025-01-27.

Conditions:
Dyskeratosis congenita. Identifiers: Orphanet 1775, MedGen C0265965, MONDO:0015780.
Dyskeratosis congenita, autosomal recessive 2 (DKCB2). Identifiers: Orphanet 1775, MedGen C3151441, MONDO:0013519, OMIM 613987.

Allele frequency attached by ClinVar (database versions not stated): gnomAD 0.00002 and 0.00003; gnomAD exomes 0.00004 and 0.00013; TOPMed 0.00006; ExAC 0.00012.
gnomAD v4.1: 66 of 1,613,606 alleles (0.0041%); highest among the groups gnomAD compares: East Asian, 0.14%; no homozygotes.

Submissions (4):

GeneDx
Classification: Uncertain significance. Last evaluated: 2025-01-27. Review status: criteria provided, single submitter. Criteria: GeneDx Variant Classification Process June 2021. Collection method: clinical testing. Allele origin: germline. Affected: yes.
Comment: Reported in a patient with myelodysplastic syndrome who also had other genetic variants suspected to predispose to myeloid malignancy (PMID: 36534659); Published functional studies support a negative effect on telomere biology, however, sufficient controls were not included in the studies (PMID: 36933847); In silico analysis supports that this missense variant has a deleterious effect on protein structure/function; This variant is associated with the following publications: (PMID: 36933847, 36534659)

Labcorp Genetics (formerly Invitae), Labcorp
Classification: Uncertain significance for Dyskeratosis congenita. Last evaluated: 2025-01-26. Review status: criteria provided, single submitter. Criteria: Invitae Variant Classification Sherloc (09022015). Collection method: clinical testing. Allele origin: germline.
Comment: This sequence change replaces tyrosine, which is neutral and polar, with asparagine, which is neutral and polar, at codon 24 of the NHP2 protein (p.Tyr24Asn). This variant is present in population databases (rs757358075, gnomAD 0.2%). This missense change has been observed in individual(s) with idiopathic pulmonary fibrosis (PMID: 36933847). ClinVar contains an entry for this variant (Variation ID: 838056). An algorithm developed to predict the effect of missense changes on protein structure and function (PolyPhen-2) suggests that this variant is likely to be disruptive. Experimental studies have shown that this missense change affects NHP2 function (PMID: 36933847). In summary, the available evidence is currently insufficient to determine the role of this variant in disease. Therefore, it has been classified as a Variant of Uncertain Significance.

Fulgent Genetics
Classification: Uncertain significance for Dyskeratosis congenita, autosomal recessive 2. Last evaluated: 2024-02-17. Review status: criteria provided, single submitter. Criteria: ACMG Guidelines, 2015. Collection method: clinical testing. Allele origin: germline.

Blueprint Genetics
Classification: Uncertain significance. Last evaluated: 2023-05-08. Review status: criteria provided, single submitter. Criteria: ACMG Guidelines, 2015. Collection method: clinical testing. Allele origin: germline.

Literature cited by the submitters: PubMed 36933847 (cited by Labcorp Genetics (formerly Invitae), Labcorp).